The following is an entry in ClinVar:

NM_012414.4(RAB3GAP2):c.2143G>A (p.Glu715Lys)

Gene: RAB3GAP2 (RAB3 GTPase activating non-catalytic protein subunit 2; minus strand). Cytogenetic location: 1q41.
Variant type: single nucleotide variant.
Coding change: c.2143G>A on transcript NM_012414.4 (MANE Select); coding-DNA position 2143, G replaced by A.
Protein change: p.Glu715Lys; replaces glutamic acid 715 with lysine.
Molecular consequence: missense variant.
Genome position (GRCh38, 1-based): chr1:220,182,787, C>T on the plus strand (G>A on the coding strand, the complement: RAB3GAP2 is on the minus strand). VCF-style: chr1-220182787-C-T. GRCh37 (hg19) VCF-style: chr1-220356129-C-T.
Other names: short protein forms E715K.
Identifiers: ClinVar variation 1810057 (VCV001810057.1), dbSNP rs1483927565, ClinGen allele CA344642446.
Genomic context (GRCh38, chr1:220,182,787, plus strand): 5'-CATATTCCTCTTCACTTATTTTCTTTATGTTGAGCACATCCTTTTCATATTCTAAATATT[C>T]CAAGAATGTTTTTACAGGCAACACACCATCTTTATCATCAGAAAATCGAACATTTGTCCT-3'
Protein context (NP_036546.2, residues 705-725): DGVLPVKTFL[Glu715Lys]YLEYEKDVLN

ClinVar aggregate classification (germline): Uncertain significance (1 of 4 stars; one submission).

Allele frequency attached by ClinVar (database versions not stated): TOPMed below 0.00001; gnomAD 0.00001; gnomAD exomes 0.00001.
gnomAD v4.1: 4 of 1,612,956 alleles (0.00025%); highest among the groups gnomAD compares: East Asian, 0.0089%; no homozygotes.

Submission:

GeneDx
Classification: Uncertain significance. Last evaluated: 2022-06-21. Review status: criteria provided, single submitter. Criteria: GeneDx Variant Classification Process June 2021. Collection method: clinical testing. Allele origin: germline. Affected: yes.
Comment: In silico analysis supports that this missense variant does not alter protein structure/function; Has not been previously published as pathogenic or benign to our knowledge